The following is an entry in ClinVar:

ClinVar aggregate classification (germline): Uncertain significance (1 of 4 stars; one submission).

Allele frequency attached by ClinVar (database versions not stated): gnomAD exomes below 0.00001; ExAC 0.00001.
gnomAD v4.1: 2 of 1,614,144 alleles (0.00012%); highest among the groups gnomAD compares: Middle Eastern, 0.016%; no homozygotes.

Submission:

Labcorp Genetics (formerly Invitae), Labcorp
Classification: Uncertain significance. Last evaluated: 2023-09-18. Review status: criteria provided, single submitter. Criteria: Invitae Variant Classification Sherloc (09022015). Collection method: clinical testing. Allele origin: germline.
Comment: In summary, the available evidence is currently insufficient to determine the role of this variant in disease. Therefore, it has been classified as a Variant of Uncertain Significance. Advanced modeling of protein sequence and biophysical properties (such as structural, functional, and spatial information, amino acid conservation, physicochemical variation, residue mobility, and thermodynamic stability) performed at Invitae indicates that this missense variant is not expected to disrupt GPC6 protein function. This variant has not been reported in the literature in individuals affected with GPC6-related conditions. The frequency data for this variant in the population databases is considered unreliable, as metrics indicate poor data quality at this position in the gnomAD database. This sequence change replaces glycine, which is neutral and non-polar, with aspartic acid, which is acidic and polar, at codon 378 of the GPC6 protein (p.Gly378Asp).

NM_005708.5(GPC6):c.1133G>A (p.Gly378Asp)

Gene: GPC6 (glypican 6; plus strand). Cytogenetic location: 13q31.3.
Variant type: single nucleotide variant.
Coding change: c.1133G>A on transcript NM_005708.5 (MANE Select); coding-DNA position 1133, G replaced by A.
Protein change: p.Gly378Asp; replaces glycine 378 with aspartic acid.
Molecular consequence: missense variant.
Genome position (GRCh38, 1-based): chr13:94,306,104, G>A. VCF-style: chr13-94306104-G-A. GRCh37 (hg19) VCF-style: chr13-94958358-G-A.
Other names: short protein forms G378D.
Identifiers: ClinVar variation 2999858 (VCV002999858.3), dbSNP rs748827674, ClinGen allele CA7017064.